The following is an entry in ClinVar:

NM_005120.3(MED12):c.2150A>C (p.Lys717Thr)

Gene: MED12 (mediator complex subunit 12; plus strand). Cytogenetic location: Xq13.1.
Variant type: single nucleotide variant.
Coding change: c.2150A>C on transcript NM_005120.3 (MANE Select); coding-DNA position 2150, A replaced by C.
Protein change: p.Lys717Thr; replaces lysine 717 with threonine.
Molecular consequence: missense variant.
Genome position (GRCh38, 1-based): chrX:71,125,070, A>C. VCF-style: chrX-71125070-A-C. GRCh37 (hg19) VCF-style: chrX-70344920-A-C.
Other names: short protein forms K717T.
Identifiers: ClinVar variation 3293968 (VCV003293968.1).

ClinVar aggregate classification (germline): Uncertain significance (1 of 4 stars; one submission).

Conditions:
Familial thoracic aortic aneurysm and aortic dissection (TAAD). Also called: Thoracic aortic aneurysms and dissections. Identifiers: Orphanet 91387, MedGen C4707243, MONDO:0019625.

Submission:

Ambry Genetics
Classification: Uncertain significance for Familial thoracic aortic aneurysm and aortic dissection. Last evaluated: 2024-05-12. Review status: criteria provided, single submitter. Criteria: Ambry Variant Classification Scheme 2023. Collection method: clinical testing. Allele origin: germline.
Comment: The p.K717T variant (also known as c.2150A>C), located in coding exon 15 of the MED12 gene, results from an A to C substitution at nucleotide position 2150. The lysine at codon 717 is replaced by threonine, an amino acid with similar properties. This amino acid position is conserved. In addition, this alteration is predicted to be tolerated by in silico analysis. Based on the available evidence, the clinical significance of this variant remains unclear.